The following is an entry in ClinVar:

NC_000006.12:g.(?_161548844)_(161549013_?)dup

Gene: PRKN (parkin RBR E3 ubiquitin protein ligase; minus strand). Cytogenetic location: 6q26.
Variant type: Duplication.
Identifiers: ClinVar variation 832447 (VCV000832447.7).

ClinVar aggregate classification (germline): Uncertain significance (1 of 4 stars; one submission).

Submission:

Labcorp Genetics (formerly Invitae), Labcorp
Classification: Uncertain significance. Last evaluated: 2021-08-04. Review status: criteria provided, single submitter. Criteria: Invitae Variant Classification Sherloc (09022015). Collection method: clinical testing. Allele origin: germline.
Comment: This variant results in a copy number gain of the genomic region encompassing exon(s) 9 of the PRKN gene. While the exact position of this variant cannot be determined from the data, sub-genic copy number gains are generally in tandem (PMID: 25640679). This variant is predicted to be in-frame, and likely preserves the integrity of the reading frame. A similar copy number variant has been observed in individual(s) with Parkinson's Disease (PMID: 15266615, 18211709). In summary, the available evidence is currently insufficient to determine the role of this variant in disease. Therefore, it has been classified as a Variant of Uncertain Significance.

Literature cited by the submitters: PubMed 25640679; PubMed 15266615; PubMed 18211709.